The following is an entry in ClinVar:

ClinVar aggregate classification (germline): Likely benign (1 of 4 stars; one submission).

Conditions:
FOXC2-related disorder. Also called: FOXC2-related condition.

Submission:

PreventionGenetics, part of Exact Sciences
Classification: Likely benign for FOXC2-related condition. Last evaluated: 2024-12-23. Review status: criteria provided, single submitter. Criteria: ACMG Guidelines, 2015. Collection method: clinical testing. Allele origin: germline.
Comment: This variant is classified as likely benign based on ACMG/AMP sequence variant interpretation guidelines (Richards et al. 2015 PMID: 25741868, with internal and published modifications).

NM_005251.3(FOXC2):c.660G>C (p.Pro220=)

Gene: FOXC2 (forkhead box C2; plus strand). Cytogenetic location: 16q24.1.
Variant type: single nucleotide variant.
Coding change: c.660G>C on transcript NM_005251.3 (MANE Select); coding-DNA position 660, G replaced by C.
Protein change: p.Pro220=; no amino-acid change (proline 220 retained).
Molecular consequence: synonymous variant.
Genome position (GRCh38, 1-based): chr16:86,567,995, G>C. VCF-style: chr16-86567995-G-C. GRCh37 (hg19) VCF-style: chr16-86601601-G-C.
Identifiers: ClinVar variation 4982457 (VCV004982457.1).